The following is an entry in ClinVar:

ClinVar aggregate classification (germline): Uncertain significance (1 of 4 stars; one submission).

Submission:

GeneDx
Classification: Uncertain significance. Last evaluated: 2022-03-14. Review status: criteria provided, single submitter. Criteria: GeneDx Variant Classification Process June 2021. Collection method: clinical testing. Allele origin: germline. Affected: yes.
Comment: Not observed at significant frequency in large population cohorts (gnomAD); Missense variants in this gene are often considered pathogenic (HGMD); In silico analysis supports that this missense variant does not alter protein structure/function; Has not been previously published as pathogenic or benign to our knowledge; This substitution is predicted to be within the cytoplasmic loop between the first and second homologous domains

NM_001040142.2(SCN2A):c.1729C>G (p.Leu577Val)

Gene: SCN2A (sodium voltage-gated channel alpha subunit 2; plus strand). Cytogenetic location: 2q24.3.
Variant type: single nucleotide variant.
Coding change: c.1729C>G on transcript NM_001040142.2 (MANE Select); coding-DNA position 1729, C replaced by G.
Protein change: p.Leu577Val; replaces leucine 577 with valine.
Molecular consequence: missense variant.
Genome position (GRCh38, 1-based): chr2:165,323,213, C>G. VCF-style: chr2-165323213-C-G. GRCh37 (hg19) VCF-style: chr2-166179723-C-G.
Other names: c.1729C>G, p.Leu577Val (NM_001040143.2, NM_001371246.1, NM_001371247.1 and 1 more transcripts); short protein forms L577V.
Identifiers: ClinVar variation 1706143 (VCV001706143.2), dbSNP rs796053187, ClinGen allele CA349026505.